The following is an entry in ClinVar:

NM_002067.5(GNA11):c.44T>C (p.Val15Ala)

Gene: GNA11 (G protein subunit alpha 11; plus strand). Cytogenetic location: 19p13.3.
Variant type: single nucleotide variant.
Coding change: c.44T>C on transcript NM_002067.5 (MANE Select); coding-DNA position 44, T replaced by C.
Protein change: p.Val15Ala; replaces valine 15 with alanine.
Molecular consequence: missense variant.
Genome position (GRCh38, 1-based): chr19:3,094,695, T>C. VCF-style: chr19-3094695-T-C. GRCh37 (hg19) VCF-style: chr19-3094693-T-C.
Other names: short protein forms V15A.
Identifiers: ClinVar variation 4847404 (VCV004847404.1).

ClinVar aggregate classification (germline): Uncertain significance (1 of 4 stars; one submission).

Submission:

Women's Health and Genetics/Laboratory Corporation of America, LabCorp
Classification: Uncertain significance. Last evaluated: 2026-03-09. Review status: criteria provided, single submitter. Criteria: LabCorp Variant Classification Summary - May 2015. Collection method: clinical testing. Allele origin: germline.
Comment: Variant summary: GNA11 c.44T>C (p.Val15Ala) results in a non-conservative amino acid change in the encoded protein sequence. Algorithms developed to predict the effect of missense changes on protein structure and function are either unavailable or do not agree on the potential impact of this missense change. The variant was absent in 219844 control chromosomes. The available data on variant occurrences in the general population are insufficient to allow any conclusion about variant significance. To our knowledge, no occurrence of c.44T>C in individuals affected with GNA11-related conditions and no experimental evidence demonstrating its impact on protein function have been reported. No submitters have cited clinical-significance assessments for this variant to ClinVar. Based on the evidence outlined above, the variant was classified as uncertain significance.